The following is an entry in ClinVar:

ClinVar aggregate classification (germline): Uncertain significance (1 of 4 stars; one submission).

Submission:

Labcorp Genetics (formerly Invitae), Labcorp
Classification: Uncertain significance. Last evaluated: 2025-10-23. Review status: criteria provided, single submitter. Criteria: Invitae Variant Classification Sherloc (09022015). Collection method: clinical testing. Allele origin: germline.
Comment: This sequence change is expected to alter the c-terminus of the FOCAD protein (p.Gly1800Metfs*37). While this is not anticipated to result in nonsense mediated decay, it is expected to disrupt the last 2 amino acid(s) of the FOCAD protein and extend the protein by 34 additional amino acid residues. This variant is present in population databases (rs757182922, gnomAD 0.1%), and has an allele count higher than expected for a pathogenic variant. This variant has not been reported in the literature in individuals affected with FOCAD-related conditions. ClinVar contains an entry for this variant (Variation ID: 3721246). Experimental studies and prediction algorithms are not available or were not evaluated, and the functional significance of this variant is currently unknown. In summary, the available evidence is currently insufficient to determine the role of this variant in disease. Therefore, it has been classified as a Variant of Uncertain Significance.

NM_001375567.1(FOCAD):c.5396_5397dup (p.Gly1800fs)

Gene: FOCAD (focadhesin; plus strand). Cytogenetic location: 9p21.3.
Variant type: Microsatellite.
Coding change: c.5396_5397dup on transcript NM_001375567.1 (MANE Select); coding-DNA positions 5396 to 5397, 2 bases duplicated (AT; older notation c.5396_5397dupAT).
Protein change: p.Gly1800fs; shifts the reading frame from glycine 1800.
Molecular consequence: frameshift variant.
Genome position (GRCh38, 1-based): chr9:20,995,619-20,995,620, AT duplicated; duplicating any 2 consecutive bases within chr9:20,995,617-20,995,620 gives the same sequence; the c. name uses the placement nearest the transcript's 3' end. VCF-style (leftmost placement, unchanged base first): chr9-20995616-C-CAT. GRCh37 (hg19) VCF-style: chr9-20995615-C-CAT.
Other names: c.5291_5292dup, p.Gly1765fs (NM_001375568.1, NM_001375570.1); c.5396_5397dup, p.Gly1800fs (NM_017794.5); short protein forms G1765fs, G1800fs.
Identifiers: ClinVar variation 3721246 (VCV003721246.2).